The following is an entry in ClinVar:

NM_000875.5(IGF1R):c.2578G>T (p.Gly860Ter)

Gene: IGF1R (insulin like growth factor 1 receptor; plus strand). Cytogenetic location: 15q26.3.
Variant type: single nucleotide variant.
Coding change: c.2578G>T on transcript NM_000875.5 (MANE Select); coding-DNA position 2578, G replaced by T.
Protein change: p.Gly860Ter; replaces glycine 860 with a stop codon.
Molecular consequence: nonsense.
Genome position (GRCh38, 1-based): chr15:98,923,968, G>T. VCF-style: chr15-98923968-G-T. GRCh37 (hg19) VCF-style: chr15-99467197-G-T.
Other names: c.2578G>T, p.Gly860Ter (NM_001291858.2); short protein forms G860*.
Identifiers: ClinVar variation 451669 (VCV000451669.2), dbSNP rs1555462145, ClinGen allele CA393681755.

ClinVar aggregate classification (germline): Pathogenic (1 of 4 stars; one submission).

Submission:

GeneDx
Classification: Pathogenic. Last evaluated: 2017-09-05. Review status: criteria provided, single submitter. Criteria: GeneDx Variant Classification (06012015). Collection method: clinical testing. Allele origin: germline. Affected: yes.
Comment: The G860X variant in the IGF1R gene has not been reported previously as a pathogenic variant nor as a benign variant, to our knowledge. This variant is predicted to cause loss of normal protein function either through protein truncation or nonsense-mediated mRNA decay. The G860X variant is not observed in large population cohorts (Lek et al., 2016; 1000 Genomes Consortium et al., 2015; Exome Variant Server). We interpret G860X as a pathogenic variant.